The following is an entry in ClinVar:

ClinVar aggregate classification (germline): Pathogenic (1 of 4 stars; one submission).

Conditions:
Spastic paraplegia. Identifiers: MedGen C0037772, HP:0001258.

Submission:

Labcorp Genetics (formerly Invitae), Labcorp
Classification: Pathogenic for Spastic paraplegia. Last evaluated: 2021-03-24. Review status: criteria provided, single submitter. Criteria: Invitae Variant Classification Sherloc (09022015). Collection method: clinical testing. Allele origin: germline.
Comment: For these reasons, this variant has been classified as Pathogenic. This variant has not been reported in the literature in individuals with ZFYVE26-related conditions. This variant is a gross deletion of the genomic region encompassing exon(s) 2 of the ZFYVE26 gene, which includes the initiator codon. The 5' end of this event is unknown as it extends beyond the assayed region for this gene and therefore may encompass additional genes. The 3' boundary is likely confined to intron 2 of the ZFYVE26 gene. It is expected to result in an absent or disrupted protein product. Loss-of-function variants in ZFYVE26 are known to be pathogenic (PMID: 18394578, 19805727).

Literature cited by the submitters: PubMed 18394578; PubMed 19805727.

NC_000014.8:g.(?_68282477)_(68282690_?)del

Gene: ZFYVE26 (zinc finger FYVE-type containing 26; minus strand). Cytogenetic location: 14q24.1.
Variant type: Deletion.
Identifiers: ClinVar variation 1422491 (VCV001422491.4).